The following is an entry in ClinVar:

ClinVar aggregate classification (germline): Uncertain significance (1 of 4 stars; one submission).

Conditions:
Atrial fibrillation, familial, 7 (ATFB7). Identifiers: MedGen C2677106, MONDO:0012828, OMIM 612240.

Allele frequency attached by ClinVar (database versions not stated): gnomAD exomes below 0.00001.

Submission:

Labcorp Genetics (formerly Invitae), Labcorp
Classification: Uncertain significance for Atrial fibrillation, familial, 7. Last evaluated: 2022-05-20. Review status: criteria provided, single submitter. Criteria: Invitae Variant Classification Sherloc (09022015). Collection method: clinical testing. Allele origin: germline.
Comment: In summary, the available evidence is currently insufficient to determine the role of this variant in disease. Therefore, it has been classified as a Variant of Uncertain Significance. Algorithms developed to predict the effect of missense changes on protein structure and function output the following: SIFT: "Deleterious"; PolyPhen-2: "Benign"; Align-GVGD: "Class C0". The valine amino acid residue is found in multiple mammalian species, which suggests that this missense change does not adversely affect protein function. This variant has not been reported in the literature in individuals affected with KCNA5-related conditions. This variant is not present in population databases (gnomAD no frequency). This sequence change replaces alanine, which is neutral and non-polar, with valine, which is neutral and non-polar, at codon 590 of the KCNA5 protein (p.Ala590Val).

NM_002234.4(KCNA5):c.1769C>T (p.Ala590Val)

Gene: KCNA5 (potassium voltage-gated channel subfamily A member 5; plus strand). Cytogenetic location: 12p13.32.
Variant type: single nucleotide variant.
Coding change: c.1769C>T on transcript NM_002234.4 (MANE Select); coding-DNA position 1769, C replaced by T.
Protein change: p.Ala590Val; replaces alanine 590 with valine.
Molecular consequence: missense variant.
Genome position (GRCh38, 1-based): chr12:5,045,916, C>T. VCF-style: chr12-5045916-C-T. GRCh37 (hg19) VCF-style: chr12-5155082-C-T.
Other names: short protein forms A590V.
Identifiers: ClinVar variation 2166878 (VCV002166878.4), dbSNP rs2497481509, ClinGen allele CA383467183.